The following is an entry in ClinVar:

ClinVar aggregate classification (germline): Benign/Likely benign. Review status: criteria provided, multiple submitters, no conflicts (2 of 4 stars). 14 submissions from 11 submitters: Benign (8); Likely benign (1). 5 of the submissions do not count toward it. Last evaluated 2026-02-04.

Conditions:
TTN-related disorder. Also called: TTN-related disorders; TTN-related condition; TTN-related disease.
Autosomal recessive limb-girdle muscular dystrophy type 2J (LGMDR10). Also called: Limb-girdle muscular dystrophy, type 2J; MUSCULAR DYSTROPHY, LIMB-GIRDLE, AUTOSOMAL RECESSIVE 10. Identifiers: Orphanet 140922, MedGen C1837342, MONDO:0012127, OMIM 608807.
Dilated cardiomyopathy 1G (CMD1G). Identifiers: Orphanet 154, MedGen C1858763, MONDO:0011400, OMIM 604145.
Early-onset myopathy with fatal cardiomyopathy (CMYO5). Also called: Salih Myopathy; CONGENITAL MYOPATHY 5 WITH CARDIOMYOPATHY. Identifiers: Orphanet 289377, MedGen C2673677, MONDO:0012714, OMIM 611705. Disease mechanism: loss of function.
Tibial muscular dystrophy (TMD). Also called: Tibial muscular dystrophy, tardive; Udd Distal Myopathy – Tibial Muscular Dystrophy; UDD MYOPATHY. Identifiers: Orphanet 609, MedGen C1838244, MONDO:0010870, OMIM 600334.
Myopathy, myofibrillar, 9, with early respiratory failure (MFM9). Also called: Hereditary myopathy with early respiratory failure; MYOPATHY, PROXIMAL, WITH EARLY RESPIRATORY MUSCLE INVOLVEMENT; Myopathy, distal, with early respiratory failure, autosomal dominant; EDSTROM MYOPATHY. Identifiers: Orphanet 178464, Orphanet 34521, MedGen C1863599, MONDO:0011362, OMIM 603689.

Allele frequency attached by ClinVar (database versions not stated): gnomAD exomes 0.00050 and 0.00143; ExAC 0.00179; gnomAD 0.00564 and 0.00597; TOPMed 0.00616; 1000 Genomes Project 0.00639; ESP Exome Variant Server 0.00680; 1000 Genomes Project 30x 0.00765.
gnomAD v4.1: 1,650 of 1,612,392 alleles (0.1%); highest among the groups gnomAD compares: African/African-American, 1.9%; 22 homozygotes.

Submissions (14):

Labcorp Genetics (formerly Invitae), Labcorp
Classification: Benign for Dilated cardiomyopathy 1G; Autosomal recessive limb-girdle muscular dystrophy type 2J. Last evaluated: 2026-02-04. Review status: criteria provided, single submitter. Criteria: Invitae Variant Classification Sherloc (09022015). Collection method: clinical testing. Allele origin: germline.

ARUP Laboratories, Molecular Genetics and Genomics, ARUP Laboratories
Classification: Benign. Last evaluated: 2025-07-08. Review status: criteria provided, single submitter. Criteria: ARUP Molecular Germline Variant Investigation Process 2024. Collection method: clinical testing. Allele origin: germline.

Molecular Diagnostic Laboratory for Inherited Cardiovascular Disease, Montreal Heart Institute
Classification: Benign. Last evaluated: 2025-04-09. Review status: criteria provided, single submitter. Criteria: ACMG Guidelines, 2015. Collection method: clinical testing. Allele origin: germline. Affected: no.

Blueprint Genetics
Classification: Benign. Last evaluated: 2024-11-14. Review status: criteria provided, single submitter. Criteria: ACMG Guidelines, 2015. Collection method: clinical testing. Allele origin: germline.

Genome-Nilou Lab
Classification: Benign for Autosomal recessive limb-girdle muscular dystrophy type 2J. Last evaluated: 2021-09-10. Review status: criteria provided, single submitter. Criteria: ACMG Guidelines, 2015. Collection method: clinical testing. Allele origin: germline. Affected: no.

Genome-Nilou Lab
Classification: Benign for Myopathy, myofibrillar, 9, with early respiratory failure. Last evaluated: 2021-09-10. Review status: criteria provided, single submitter. Criteria: ACMG Guidelines, 2015. Collection method: clinical testing. Allele origin: germline. Affected: no.

Genome-Nilou Lab
Classification: Benign for Early-onset myopathy with fatal cardiomyopathy. Last evaluated: 2021-09-10. Review status: criteria provided, single submitter. Criteria: ACMG Guidelines, 2015. Collection method: clinical testing. Allele origin: germline. Affected: no.

Genome-Nilou Lab
Classification: Benign for Tibial muscular dystrophy. Last evaluated: 2021-09-10. Review status: criteria provided, single submitter. Criteria: ACMG Guidelines, 2015. Collection method: clinical testing. Allele origin: germline. Affected: no.

Breakthrough Genomics
Classification: Likely benign. Review status: criteria provided, single submitter. Criteria: ACMG Guidelines, 2015. Collection method: not provided. Allele origin: germline. Inheritance: Autosomal recessive inheritance. Affected: yes.

PreventionGenetics, part of Exact Sciences
Classification: Benign for TTN-related condition. Last evaluated: 2019-05-22. Review status: no assertion criteria provided. Collection method: clinical testing. Allele origin: germline. Not counted in ClinVar's aggregate classification.
Comment: This variant is classified as benign based on ACMG/AMP sequence variant interpretation guidelines (Richards et al. 2015 PMID: 25741868, with internal and published modifications).

Clinical Genetics DNA and cytogenetics Diagnostics Lab, Erasmus MC, Erasmus Medical Center
Classification: Benign. Review status: no assertion criteria provided. Collection method: clinical testing. Allele origin: germline. Affected: yes. Study: VKGL Data-share Consensus. Not counted in ClinVar's aggregate classification.

Clinical Genetics, Academic Medical Center
Classification: Benign. Review status: no assertion criteria provided. Collection method: clinical testing. Allele origin: germline. Affected: yes. Study: VKGL Data-share Consensus. Not counted in ClinVar's aggregate classification.

Joint Genome Diagnostic Labs from Nijmegen and Maastricht, Radboudumc and MUMC+
Classification: Benign. Review status: no assertion criteria provided. Collection method: clinical testing. Allele origin: germline. Affected: yes. Study: VKGL Data-share Consensus. Not counted in ClinVar's aggregate classification.

Laboratory of Diagnostic Genome Analysis, Leiden University Medical Center (LUMC)
Classification: Likely benign. Review status: no assertion criteria provided. Collection method: clinical testing. Allele origin: germline. Affected: yes. Study: VKGL Data-share Consensus. Not counted in ClinVar's aggregate classification.

NM_001267550.2(TTN):c.36126A>C (p.Glu12042Asp)

Gene: TTN (titin; minus strand). Cytogenetic location: 2q31.2.
Variant type: single nucleotide variant.
Coding change: c.36126A>C on transcript NM_001267550.2 (MANE Select); coding-DNA position 36126, A replaced by C.
Protein change: p.Glu12042Asp; replaces glutamic acid 12042 with aspartic acid.
Molecular consequence: missense variant. On other transcripts: intron variant (5).
Genome position (GRCh38, 1-based): chr2:178,664,730, T>G on the plus strand (A>C on the coding strand, the complement: TTN is on the minus strand). VCF-style: chr2-178664730-T-G. GRCh37 (hg19) VCF-style: chr2-179529457-T-G.
Other names: c.13283-22413A>C (NM_003319.4); c.13859-22413A>C (NM_133437.4); c.13658-22413A>C (NM_133432.3); c.31484-1675A>C (NM_133378.4); c.34265-1675A>C (NM_001256850.1); short protein forms E12042D.
Identifiers: ClinVar variation 238751 (VCV000238751.35), dbSNP rs113231696, ClinGen allele CA1997646.
Genomic context (GRCh38, chr2:178,664,730, plus strand): 5'-TTCAGGCTTTCTGAGAGGAACCACAAGCGTTTTCTTTTCAGGGACAATTTCTTGGAGAGC[T>G]TCAGGCACTTTAAGAAATTAGTAGTTTTATGTTTAGTGTTATGCAGATAACTAGGAATAG-3'
Protein context (NP_001254479.2, residues 12032-12052): KREPPSVKVP[Glu12042Asp]ALQEIVPEKK